The following is an entry in ClinVar:

NM_000179.3(MSH6):c.1239G>A (p.Trp413Ter)

Gene: MSH6 (mutS homolog 6; plus strand). Cytogenetic location: 2p16.3.
Variant type: single nucleotide variant.
Coding change: c.1239G>A on transcript NM_000179.3 (MANE Select); coding-DNA position 1239, G replaced by A.
Protein change: p.Trp413Ter; replaces tryptophan 413 with a stop codon.
Molecular consequence: nonsense.
Genome position (GRCh38, 1-based): chr2:47,799,222, G>A. VCF-style: chr2-47799222-G-A. GRCh37 (hg19) VCF-style: chr2-48026361-G-A.
Other names: c.849G>A, p.Trp283Ter (NM_001281492.2); c.333G>A, p.Trp111Ter (NM_001281493.2, NM_001281494.2, NM_001406811.1 and 6 more transcripts); c.1335G>A, p.Trp445Ter (NM_001406795.1, NM_001406802.1); c.1239G>A, p.Trp413Ter (NM_001406796.1, NM_001406798.1, NM_001406800.1 and 4 more transcripts); c.942G>A, p.Trp314Ter (NM_001406797.1, NM_001406801.1, NM_001406805.1 and 10 more transcripts); c.714G>A, p.Trp238Ter (NM_001406799.1, NM_001406806.1, NM_001406807.1); c.1161G>A, p.Trp387Ter (NM_001406804.1); c.1245G>A, p.Trp415Ter (NM_001406813.1); and 1 more; short protein forms W111*, W413*, W357*, W415*, W445*, W238*, W283*, W314*.
Identifiers: ClinVar variation 1757696 (VCV001757696.3), dbSNP rs1114167736, ClinGen allele CA346743726.

ClinVar aggregate classification (germline): Pathogenic. Review status: criteria provided, multiple submitters, no conflicts (2 of 4 stars). 2 submissions from 2 submitters: Pathogenic (2). Last evaluated 2023-08-11.

Conditions:
Hereditary cancer-predisposing syndrome. Also called: Neoplastic Syndromes, Hereditary; Tumor predisposition; Hereditary Cancer Syndrome; Hereditary neoplastic syndrome. Identifiers: Orphanet 140162, MedGen C0027672, MeSH D009386, MONDO:0015356.
Lynch syndrome 5 (LYNCH5). Also called: Colorectal cancer, hereditary nonpolyposis, type 5; Hereditary non-polyposis colorectal cancer, type 5. Identifiers: Orphanet 144, MedGen C1833477, MONDO:0013710, OMIM 614350. Disease mechanism: loss of function.

Submissions (2):

Myriad Genetics, Inc.
Classification: Pathogenic for Lynch syndrome 5. Last evaluated: 2023-08-11. Review status: criteria provided, single submitter. Criteria: Myriad Autosomal Dominant, Autosomal Recessive and X-Linked Classification Criteria (2023). Collection method: clinical testing. Allele origin: unknown.
Comment: This variant is considered pathogenic. This variant creates a termination codon and is predicted to result in premature protein truncation.

Ambry Genetics
Classification: Pathogenic for Hereditary cancer-predisposing syndrome. Last evaluated: 2017-08-03. Review status: criteria provided, single submitter. Criteria: Ambry Variant Classification Scheme 2023. Collection method: clinical testing. Allele origin: germline.
Comment: The p.W413* pathogenic mutation (also known as c.1239G>A), located in coding exon 4 of the MSH6 gene, results from a G to A substitution at nucleotide position 1239. This changes the amino acid from a tryptophan to a stop codon within coding exon 4. This alteration is expected to result in loss of function by premature protein truncation or nonsense-mediated mRNA decay. As such, this alteration is interpreted as a disease-causing mutation.